The following is an entry in ClinVar:

ClinVar aggregate classification (germline): Uncertain significance. Review status: criteria provided, multiple submitters, no conflicts (2 of 4 stars). 4 submissions from 4 submitters: Uncertain significance (2). 2 of the submissions do not count toward it. Last evaluated 2025-01-10.

Conditions:
Inborn genetic diseases. Identifiers: MedGen C0950123, MeSH D030342.
Propionic acidemia (PROP). Also called: GLYCINEMIA, KETOTIC; HYPERGLYCINEMIA WITH KETOACIDOSIS AND LEUKOPENIA; KETOTIC HYPERGLYCINEMIA. Identifiers: Orphanet 35, MedGen C0268579, MONDO:0011628, OMIM 606054, HP:0003571.

Allele frequency attached by ClinVar (database versions not stated): ExAC 0.00004; gnomAD exomes 0.00004 and 0.00005; TOPMed 0.00005; gnomAD 0.00007 and 0.00008; 1000 Genomes Project 30x 0.00016; 1000 Genomes Project 0.00020.

Submissions (4):

Ambry Genetics
Classification: Uncertain significance for Inborn genetic diseases. Last evaluated: 2025-01-10. Review status: criteria provided, single submitter. Criteria: Ambry Variant Classification Scheme 2023. Collection method: clinical testing. Allele origin: germline.

Labcorp Genetics (formerly Invitae), Labcorp
Classification: Uncertain significance for Propionic acidemia. Last evaluated: 2022-06-04. Review status: criteria provided, single submitter. Criteria: Invitae Variant Classification Sherloc (09022015). Collection method: clinical testing. Allele origin: germline.
Comment: This sequence change replaces arginine, which is basic and polar, with glutamine, which is neutral and polar, at codon 430 of the PCCA protein (p.Arg430Gln). This variant is present in population databases (rs187346936, gnomAD 0.01%). This variant has not been reported in the literature in individuals affected with PCCA-related conditions. ClinVar contains an entry for this variant (Variation ID: 1174981). Advanced modeling of protein sequence and biophysical properties (such as structural, functional, and spatial information, amino acid conservation, physicochemical variation, residue mobility, and thermodynamic stability) performed at Invitae indicates that this missense variant is expected to disrupt PCCA protein function. In summary, the available evidence is currently insufficient to determine the role of this variant in disease. Therefore, it has been classified as a Variant of Uncertain Significance.

Diagnostic Laboratory, Department of Genetics, University Medical Center Groningen
Classification: Uncertain significance. Review status: no assertion criteria provided. Collection method: clinical testing. Allele origin: germline. Affected: yes. Study: VKGL Data-share Consensus. Not counted in ClinVar's aggregate classification.

Joint Genome Diagnostic Labs from Nijmegen and Maastricht, Radboudumc and MUMC+
Classification: Uncertain significance. Review status: no assertion criteria provided. Collection method: clinical testing. Allele origin: germline. Affected: yes. Study: VKGL Data-share Consensus. Not counted in ClinVar's aggregate classification.

NM_000282.4(PCCA):c.1289G>A (p.Arg430Gln)

Gene: PCCA (propionyl-CoA carboxylase subunit alpha; plus strand). Cytogenetic location: 13q32.3.
Variant type: single nucleotide variant.
Coding change: c.1289G>A on transcript NM_000282.4 (MANE Select); coding-DNA position 1289, G replaced by A.
Protein change: p.Arg430Gln; replaces arginine 430 with glutamine.
Molecular consequence: missense variant. On other transcripts: non-coding transcript variant (5).
Genome position (GRCh38, 1-based): chr13:100,307,196, G>A. VCF-style: chr13-100307196-G-A. GRCh37 (hg19) VCF-style: chr13-100959450-G-A.
Other names: c.1289G>A (NM_000282.3); c.200G>A, p.Arg67Gln (NM_001352612.2); c.1211G>A, p.Arg404Gln (NM_001127692.3, NM_001352607.2); c.1289G>A, p.Arg430Gln (NM_001178004.2, NM_001352605.2, NM_001352609.2); c.1145G>A, p.Arg382Gln (NM_001352606.2); c.1067G>A, p.Arg356Gln (NM_001352608.2); c.344G>A, p.Arg115Gln (NM_001352610.2, NM_001352611.2); short protein forms R115Q, R356Q, R382Q, R404Q, R430Q, R67Q.
Identifiers: ClinVar variation 1174981 (VCV001174981.8), dbSNP rs187346936, ClinGen allele CA7033603.